The following is an entry in ClinVar:

ClinVar aggregate classification (germline): Uncertain significance (1 of 4 stars; one submission).

gnomAD v4.1: 18 of 1,611,266 alleles (0.0011%); highest among the groups gnomAD compares: African/African-American, 0.015%; no homozygotes.

Submission:

GeneDx
Classification: Uncertain significance. Last evaluated: 2024-07-18. Review status: criteria provided, single submitter. Criteria: GeneDx Variant Classification Process June 2021. Collection method: clinical testing. Allele origin: germline. Affected: yes.
Comment: In silico analysis indicates that this missense variant does not alter protein structure/function; Has not been previously published as pathogenic or benign to our knowledge

NM_144628.4(TBC1D20):c.79G>T (p.Ala27Ser)

Gene: TBC1D20 (TBC1 domain family member 20; minus strand). Cytogenetic location: 20p13.
Variant type: single nucleotide variant.
Coding change: c.79G>T on transcript NM_144628.4 (MANE Select); coding-DNA position 79, G replaced by T.
Protein change: p.Ala27Ser; replaces alanine 27 with serine.
Molecular consequence: missense variant. On other transcripts: non-coding transcript variant (1).
Genome position (GRCh38, 1-based): chr20:448,066, C>A on the plus strand (G>T on the coding strand, the complement: TBC1D20 is on the minus strand). VCF-style: chr20-448066-C-A. GRCh37 (hg19) VCF-style: chr20-428710-C-A.
Other names: short protein forms A27S.
Identifiers: ClinVar variation 3573786 (VCV003573786.1).